The following is an entry in ClinVar:

ClinVar aggregate classification (germline): Likely benign (1 of 4 stars; one submission).

Allele frequency attached by ClinVar (database versions not stated): gnomAD exomes 0.00103; gnomAD 0.00839 and 0.00894; TOPMed 0.00918; 1000 Genomes Project 0.00919; 1000 Genomes Project 30x 0.01015.
gnomAD v4.1: 1,506 of 360,960 alleles (0.42%); highest among the groups gnomAD compares: African/African-American, 2.7%; 21 homozygotes.

Submission:

GeneDx
Classification: Likely benign. Last evaluated: 2018-06-19. Review status: criteria provided, single submitter. Criteria: GeneDx Variant Classification (06012015). Collection method: clinical testing. Allele origin: germline. Affected: yes.
Comment: This variant is considered likely benign or benign based on one or more of the following criteria: it is a conservative change, it occurs at a poorly conserved position in the protein, it is predicted to be benign by multiple in silico algorithms, and/or has population frequency not consistent with disease.

NM_006859.4(LIAS):c.738-243A>G

Gene: LIAS (lipoic acid synthetase; plus strand). Cytogenetic location: 4p14.
Variant type: single nucleotide variant.
Coding change: c.738-243A>G on transcript NM_006859.4 (MANE Select); 243 bases into the intron before coding-DNA position 738, A replaced by G.
Molecular consequence: intron variant.
Genome position (GRCh38, 1-based): chr4:39,469,776, A>G. VCF-style: chr4-39469776-A-G. GRCh37 (hg19) VCF-style: chr4-39471396-A-G.
Other names: c.738-243A>G (NM_194451.3); c.609-243A>G (NM_001278590.2); c.429-243A>G (NM_001363700.2).
Identifiers: ClinVar variation 674122 (VCV000674122.1), dbSNP rs28375184, ClinGen allele CA95731343.